The following is an entry in ClinVar:

NM_001365999.1(SZT2):c.7020G>A (p.Pro2340=)

Gene: SZT2 (SZT2 subunit of KICSTOR complex; plus strand). Cytogenetic location: 1p34.2.
Variant type: single nucleotide variant.
Coding change: c.7020G>A on transcript NM_001365999.1 (MANE Select); coding-DNA position 7020, G replaced by A.
Protein change: p.Pro2340=; no amino-acid change (proline 2340 retained).
Molecular consequence: synonymous variant.
Genome position (GRCh38, 1-based): chr1:43,439,747, G>A. VCF-style: chr1-43439747-G-A. GRCh37 (hg19) VCF-style: chr1-43905418-G-A.
Other names: c.6849G>A, p.Pro2283= (NM_015284.4).
Identifiers: ClinVar variation 1421413 (VCV001421413.10), dbSNP rs375793150, ClinGen allele CA810082.

ClinVar aggregate classification (germline): Likely benign. Review status: criteria provided, multiple submitters, no conflicts (2 of 4 stars). 3 submissions from 3 submitters: Likely benign (3). Last evaluated 2025-01-17.

Conditions:
Inborn genetic diseases. Identifiers: MedGen C0950123, MeSH D030342.

gnomAD v4.1: 16 of 1,601,122 alleles (0.001%); highest among the groups gnomAD compares: Admixed American, 0.0051%; no homozygotes.

Submissions (3):

Labcorp Genetics (formerly Invitae), Labcorp
Classification: Likely benign. Last evaluated: 2025-01-17. Review status: criteria provided, single submitter. Criteria: Invitae Variant Classification Sherloc (09022015). Collection method: clinical testing. Allele origin: germline.

Women's Health and Genetics/Laboratory Corporation of America, LabCorp
Classification: Likely benign. Last evaluated: 2023-10-10. Review status: criteria provided, single submitter. Criteria: LabCorp Variant Classification Summary - May 2015. Collection method: clinical testing. Allele origin: germline.
Comment: Variant summary: C1orf84 (also known as SZT2) c.6849G>A results in a synonymous change. Consensus agreement among computation tools predict no significant impact on normal splicing. However, these predictions have yet to be confirmed by functional studies. The variant allele was found at a frequency of 1.1e-05 in 270944 control chromosomes (gnomAD). The available data on variant occurrences in the general population are insufficient to allow any conclusion about variant significance. To our knowledge, no occurrence of c.6849G>A in individuals affected with Early Infantile Epileptic Encephalopathy 18 and no experimental evidence demonstrating its impact on protein function have been reported. Two submitters have cited clinical-significance assessments for this variant to ClinVar after 2014. One submitter classified the variant as likely benign, and one submitter classified the variant as uncertain significance. Based on the evidence outlined above, the variant was classified as likely benign.

Ambry Genetics
Classification: Likely benign for Inborn genetic diseases. Last evaluated: 2017-06-29. Review status: criteria provided, single submitter. Criteria: Ambry Variant Classification Scheme 2023. Collection method: clinical testing. Allele origin: germline.